The following is an entry in ClinVar:

NM_001065.4(TNFRSF1A):c.506A>G (p.His169Arg)

Gene: TNFRSF1A (TNF receptor superfamily member 1A; minus strand). Cytogenetic location: 12p13.31.
Variant type: single nucleotide variant.
Coding change: c.506A>G on transcript NM_001065.4 (MANE Select); coding-DNA position 506, A replaced by G.
Protein change: p.His169Arg; replaces histidine 169 with arginine.
Molecular consequence: missense variant. On other transcripts: 5 prime UTR variant (1), non-coding transcript variant (1).
Genome position (GRCh38, 1-based): chr12:6,333,114, T>C on the plus strand (A>G on the coding strand, the complement: TNFRSF1A is on the minus strand). VCF-style: chr12-6333114-T-C. GRCh37 (hg19) VCF-style: chr12-6442280-T-C.
Other names: c.182A>G, p.His61Arg (NM_001346091.2); c.-72A>G (NM_001346092.2); short protein forms H61R, H169R.
Identifiers: ClinVar variation 839645 (VCV000839645.9), dbSNP rs1206840359, ClinGen allele CA383549089.

ClinVar aggregate classification (germline): Uncertain significance (1 of 4 stars; one submission).

Conditions:
TNF receptor-associated periodic fever syndrome (TRAPS) (FPF). Also called: TNF RECEPTOR-ASSOCIATED PERIODIC SYNDROME; TUMOR NECROSIS FACTOR RECEPTOR-ASSOCIATED PERIODIC SYNDROME; FAMILIAL HIBERNIAN FEVER; TNF receptor 1-associated periodic fever syndrome; TNF Receptor-Associated Periodic Fever Syndrome; Autosomal Dominant Familial Periodic Fever. Identifiers: Orphanet 32960, MedGen C1275126, MONDO:0007727, OMIM 142680.

Allele frequency attached by ClinVar (database versions not stated): gnomAD exomes below 0.00001 and 0.00001; TOPMed 0.00002.

Submission:

Labcorp Genetics (formerly Invitae), Labcorp
Classification: Uncertain significance for TNF receptor-associated periodic fever syndrome (TRAPS). Last evaluated: 2019-12-31. Review status: criteria provided, single submitter. Criteria: Invitae Variant Classification Sherloc (09022015). Collection method: clinical testing. Allele origin: germline.
Comment: This sequence change replaces histidine with arginine at codon 169 of the TNFRSF1A protein (p.His169Arg). The histidine residue is moderately conserved and there is a small physicochemical difference between histidine and arginine. This variant is not present in population databases (ExAC no frequency). This variant has not been reported in the literature in individuals with TNFRSF1A-related conditions. Algorithms developed to predict the effect of missense changes on protein structure and function are either unavailable or do not agree on the potential impact of this missense change (SIFT: "Tolerated"; PolyPhen-2: "Possibly Damaging"; Align-GVGD: "Class C0"). In summary, the available evidence is currently insufficient to determine the role of this variant in disease. Therefore, it has been classified as a Variant of Uncertain Significance.